The following is an entry in ClinVar:

NM_201384.3(PLEC):c.3399+6G>A

Gene: PLEC (plectin; minus strand). Cytogenetic location: 8q24.3.
Variant type: single nucleotide variant.
Coding change: c.3399+6G>A on transcript NM_201384.3 (MANE Select); 6 bases into the intron after coding-DNA position 3399, G replaced by A.
Molecular consequence: intron variant.
Genome position (GRCh38, 1-based): chr8:143,927,848, C>T on the plus strand (G>A on the coding strand, the complement: PLEC is on the minus strand). VCF-style: chr8-143927848-C-T. GRCh37 (hg19) VCF-style: chr8-145002016-C-T.
Other names: c.3480+6G>A (NM_000445.5); c.3357+6G>A (NM_201378.4); c.3333+6G>A (NM_201379.3); c.3810+6G>A (NM_201380.4); c.3303+6G>A (NM_201381.3); c.3399+6G>A (NM_201382.4); c.3411+6G>A (NM_201383.3).
Identifiers: ClinVar variation 2094163 (VCV002094163.4), dbSNP rs1554708754, ClinGen allele CA586158728.

ClinVar aggregate classification (germline): Uncertain significance (1 of 4 stars; one submission).

Conditions:
Epidermolysis bullosa simplex 5C, with pyloric atresia (EBS5C). Also called: PLEC-Related Epidermolysis Bullosa with Pyloric Atresia; Epidermolysis bullosa simplex with pyloric atresia; PLEC1-Related Epidermolysis Bullosa with Pyloric Atresia. Identifiers: Orphanet 158684, MedGen C2677349, MONDO:0012807, OMIM 612138.
Epidermolysis bullosa simplex 5B, with muscular dystrophy (EBS5B). Also called: Epidermolysis bullosa simplex with muscular dystrophy; EPIDERMOLYSIS BULLOSA SIMPLEX AND LIMB-GIRDLE MUSCULAR DYSTROPHY. Identifiers: Orphanet 257, MedGen C2931072, MONDO:0009181, OMIM 226670.
Epidermolysis bullosa simplex, Ogna type (EBS5A). Also called: Pidermolysis bullosa simplex 5A, Ogna type; EPIDERMOLYSIS BULLOSA SIMPLEX 5A, OGNA TYPE. Identifiers: Orphanet 79401, MedGen C0432317, MONDO:0007555, OMIM 131950.
Autosomal recessive limb-girdle muscular dystrophy type 2Q (LGMDR17). Also called: MUSCULAR DYSTROPHY, LIMB-GIRDLE, AUTOSOMAL RECESSIVE 17. Identifiers: Orphanet 254361, MedGen C3150989, MONDO:0013390, OMIM 613723.
Epidermolysis bullosa simplex with nail dystrophy (EBS5D). Identifiers: MedGen C4225309, MONDO:0014661, OMIM 616487.

Allele frequency attached by ClinVar (database versions not stated): TOPMed below 0.00001.
gnomAD v4.1: 12 of 1,591,226 alleles (0.00075%); highest among the groups gnomAD compares: East Asian, 0.0023%; no homozygotes.

Submission:

Labcorp Genetics (formerly Invitae), Labcorp
Classification: Uncertain significance for Autosomal recessive limb-girdle muscular dystrophy type 2Q; Epidermolysis bullosa simplex, Ogna type; Epidermolysis bullosa simplex with nail dystrophy; Epidermolysis bullosa simplex 5C, with pyloric atresia; Epidermolysis bullosa simplex 5B, with muscular dystrophy. Last evaluated: 2025-01-01. Review status: criteria provided, single submitter. Criteria: Invitae Variant Classification Sherloc (09022015). Collection method: clinical testing. Allele origin: germline.
Comment: This sequence change falls in intron 27 of the PLEC gene. It does not directly change the encoded amino acid sequence of the PLEC protein. It affects a nucleotide within the consensus splice site. This variant is not present in population databases (gnomAD no frequency). This variant has not been reported in the literature in individuals affected with PLEC-related conditions. ClinVar contains an entry for this variant (Variation ID: 2094163). Variants that disrupt the consensus splice site are a relatively common cause of aberrant splicing (PMID: 17576681, 9536098). Algorithms developed to predict the effect of sequence changes on RNA splicing suggest that this variant is not likely to affect RNA splicing. In summary, the available evidence is currently insufficient to determine the role of this variant in disease. Therefore, it has been classified as a Variant of Uncertain Significance.

Literature cited by the submitters: PubMed 17576681; PubMed 9536098.